The following is an entry in ClinVar:

ClinVar aggregate classification (germline): Pathogenic (1 of 4 stars; one submission).

Submission:

Labcorp Genetics (formerly Invitae), Labcorp
Classification: Pathogenic. Last evaluated: 2022-09-12. Review status: criteria provided, single submitter. Criteria: Invitae Variant Classification Sherloc (09022015). Collection method: clinical testing. Allele origin: germline.
Comment: For these reasons, this variant has been classified as Pathogenic. ClinVar contains an entry for this variant (Variation ID: 1460020). This variant has not been reported in the literature in individuals affected with HPS3-related conditions. This variant is not present in population databases (gnomAD no frequency). This sequence change creates a premature translational stop signal (p.Pro349Serfs*9) in the HPS3 gene. It is expected to result in an absent or disrupted protein product. Loss-of-function variants in HPS3 are known to be pathogenic (PMID: 11590544).

Literature cited by the submitters: PubMed 11590544.

NM_032383.5(HPS3):c.1045_1058del (p.Pro349fs)

Gene: HPS3 (HPS3 biogenesis of lysosomal organelles complex 2 subunit 1; plus strand). Cytogenetic location: 3q24.
Variant type: Deletion.
Coding change: c.1045_1058del on transcript NM_032383.5 (MANE Select); coding-DNA positions 1045 to 1058, 14 bases deleted (CCTCATGTGGGCTA).
Protein change: p.Pro349fs; shifts the reading frame from proline 349.
Molecular consequence: frameshift variant.
Genome position (GRCh38, 1-based): chr3:149,145,428-149,145,441, CCTCATGTGGGCTA deleted; deleting any 14 consecutive bases within chr3:149,145,426-149,145,441 gives the same sequence; the c. name uses the placement nearest the transcript's 3' end. VCF-style (leftmost placement, unchanged base first): chr3-149145425-TTACCTCATGTGGGC-T. GRCh37 (hg19) VCF-style: chr3-148863212-TTACCTCATGTGGGC-T.
Other names: c.550_563del, p.Pro184fs (NM_001308258.2); short protein forms P184fs, P349fs.
Identifiers: ClinVar variation 1460020 (VCV001460020.6), dbSNP rs2108138101, ClinGen allele CA2573136642.